The following is an entry in ClinVar:

NM_206933.4(USH2A):c.15031del (p.Tyr5011fs)

Gene: USH2A (usherin; minus strand). Cytogenetic location: 1q41.
Variant type: Deletion.
Coding change: c.15031del on transcript NM_206933.4 (MANE Select); coding-DNA position 15031, one base deleted (T; older notation c.15031delT).
Protein change: p.Tyr5011fs; shifts the reading frame from tyrosine 5011.
Molecular consequence: frameshift variant.
Genome position (GRCh38, 1-based): chr1:215,639,176, A deleted on the plus strand (T on the coding strand, the reverse complement: USH2A is on the minus strand). VCF-style (leftmost placement, unchanged base first): chr1-215639175-TA-T. GRCh37 (hg19) VCF-style: chr1-215812517-TA-T.
Other names: short protein forms Y5011fs.
Identifiers: ClinVar variation 1069039 (VCV001069039.7), dbSNP rs2102634627, ClinGen allele CA2499214443.

ClinVar aggregate classification (germline): Pathogenic (1 of 4 stars; one submission).

Allele frequency attached by ClinVar (database versions not stated): gnomAD exomes 0.00001.

Submission:

Labcorp Genetics (formerly Invitae), Labcorp
Classification: Pathogenic. Last evaluated: 2021-11-11. Review status: criteria provided, single submitter. Criteria: Invitae Variant Classification Sherloc (09022015). Collection method: clinical testing. Allele origin: germline.
Comment: This variant is not present in population databases (gnomAD no frequency). For these reasons, this variant has been classified as Pathogenic. ClinVar contains an entry for this variant (Variation ID: 1069039). This premature translational stop signal has been observed in individual(s) with clinical features of retinitis pigmentosa (PMID: 25649381). This sequence change creates a premature translational stop signal (p.Tyr5011Metfs*11) in the USH2A gene. It is expected to result in an absent or disrupted protein product. Loss-of-function variants in USH2A are known to be pathogenic (PMID: 10729113, 10909849, 20507924, 25649381).

Literature cited by the submitters: PubMed 25649381; PubMed 10729113; PubMed 10909849; PubMed 20507924.